The following is an entry in ClinVar:

NM_000038.6(APC):c.5752A>C (p.Ile1918Leu)

Gene: APC (APC regulator of Wnt signaling pathway; plus strand). Cytogenetic location: 5q22.2.
Variant type: single nucleotide variant.
Coding change: c.5752A>C on transcript NM_000038.6 (MANE Select); coding-DNA position 5752, A replaced by C.
Protein change: p.Ile1918Leu; replaces isoleucine 1918 with leucine.
Molecular consequence: missense variant. On other transcripts: non-coding transcript variant (2).
Genome position (GRCh38, 1-based): chr5:112,841,346, A>C. VCF-style: chr5-112841346-A-C. GRCh37 (hg19) VCF-style: chr5-112177043-A-C.
Other names: c.5752A>C, p.Ile1918Leu (NM_001127510.3, NM_001354895.2, NM_001407450.1); c.5698A>C, p.Ile1900Leu (NM_001127511.3); c.5806A>C, p.Ile1936Leu (NM_001354896.2, NM_001407447.1, NM_001407448.1 and 1 more transcripts); c.5782A>C, p.Ile1928Leu (NM_001354897.2); c.5677A>C, p.Ile1893Leu (NM_001354898.2); c.5668A>C, p.Ile1890Leu (NM_001354899.2); c.5629A>C, p.Ile1877Leu (NM_001354900.2); c.5575A>C, p.Ile1859Leu (NM_001354901.2, NM_001407453.1); and 11 more; short protein forms I1635L, I1792L, I1835L, I1893L, I1900L, I1911L, I1936L, I1534L.
Identifiers: ClinVar variation 4825027 (VCV004825027.1).

ClinVar aggregate classification (germline): Uncertain significance (1 of 4 stars; one submission).

Conditions:
Hereditary cancer-predisposing syndrome. Also called: Neoplastic Syndromes, Hereditary; Tumor predisposition; Hereditary Cancer Syndrome; Hereditary neoplastic syndrome. Identifiers: Orphanet 140162, MedGen C0027672, MeSH D009386, MONDO:0015356.

Submission:

Ambry Genetics
Classification: Uncertain significance for Hereditary cancer-predisposing syndrome. Last evaluated: 2026-01-16. Review status: criteria provided, single submitter. Criteria: Ambry Variant Classification Scheme 2023. Collection method: clinical testing. Allele origin: germline.
Comment: The p.I1918L variant (also known as c.5752A>C), located in coding exon 15 of the APC gene, results from an A to C substitution at nucleotide position 5752. The isoleucine at codon 1918 is replaced by leucine, an amino acid with highly similar properties. This amino acid position is conserved. In addition, in silico predictors for this gene do not accurately predict pathogenicity. Based on the available evidence, the clinical significance of this variant remains unclear.